The following is an entry in ClinVar:

NM_052874.5(STX1B):c.537+15G>A

Gene: STX1B (syntaxin 1B; minus strand). Cytogenetic location: 16p11.2.
Variant type: single nucleotide variant.
Coding change: c.537+15G>A on transcript NM_052874.5 (MANE Select); 15 bases into the intron after coding-DNA position 537, G replaced by A.
Molecular consequence: intron variant.
Genome position (GRCh38, 1-based): chr16:30,996,668, C>T on the plus strand (G>A on the coding strand, the complement: STX1B is on the minus strand). VCF-style: chr16-30996668-C-T. GRCh37 (hg19) VCF-style: chr16-31007989-C-T.
Identifiers: ClinVar variation 2758119 (VCV002758119.3), dbSNP rs2543959056, ClinGen allele CA2632805994.

ClinVar aggregate classification (germline): Uncertain significance (1 of 4 stars; one submission).

Conditions:
Generalized epilepsy with febrile seizures plus, type 9 (GEFSP9). Also called: GEFS+, TYPE 9. Identifiers: Orphanet 36387, MedGen C4015395, MONDO:0014517, OMIM 616172.

Submission:

Labcorp Genetics (formerly Invitae), Labcorp
Classification: Uncertain significance for Generalized epilepsy with febrile seizures plus, type 9. Last evaluated: 2023-09-05. Review status: criteria provided, single submitter. Criteria: Invitae Variant Classification Sherloc (09022015). Collection method: clinical testing. Allele origin: germline.
Comment: In summary, the available evidence is currently insufficient to determine the role of this variant in disease. Therefore, it has been classified as a Variant of Uncertain Significance. Algorithms developed to predict the effect of sequence changes on RNA splicing suggest that this variant may disrupt the consensus splice site. This variant has not been reported in the literature in individuals affected with STX1B-related conditions. This variant is not present in population databases (gnomAD no frequency). This sequence change falls in intron 7 of the STX1B gene. It does not directly change the encoded amino acid sequence of the STX1B protein.